The following is an entry in ClinVar:

ClinVar aggregate classification (germline): Uncertain significance (1 of 4 stars; one submission).

Conditions:
Werner syndrome (WRN). Identifiers: Orphanet 902, MedGen C0043119, MONDO:0010196, OMIM 277700.

Submission:

Labcorp Genetics (formerly Invitae), Labcorp
Classification: Uncertain significance for Werner syndrome. Last evaluated: 2024-03-18. Review status: criteria provided, single submitter. Criteria: Invitae Variant Classification Sherloc (09022015). Collection method: clinical testing. Allele origin: germline.
Comment: This sequence change falls in intron 10 of the WRN gene. It does not directly change the encoded amino acid sequence of the WRN protein. This variant is not present in population databases (gnomAD no frequency). This variant has not been reported in the literature in individuals affected with WRN-related conditions. ClinVar contains an entry for this variant (Variation ID: 1473736). Algorithms developed to predict the effect of sequence changes on RNA splicing suggest that this variant may disrupt the consensus splice site. In summary, the available evidence is currently insufficient to determine the role of this variant in disease. Therefore, it has been classified as a Variant of Uncertain Significance.

NM_000553.6(WRN):c.1351-8_1351-5del

Gene: WRN (WRN RecQ like helicase; plus strand). Cytogenetic location: 8p12.
Variant type: Deletion.
Coding change: c.1351-8_1351-5del on transcript NM_000553.6 (MANE Select); 8 bases into the intron before coding-DNA position 1351 through 5 bases into the intron before coding-DNA position 1351, 4 bases deleted (TTTT; older notation c.1351-8_1351-5delTTTT).
Molecular consequence: intron variant.
Genome position (GRCh38, 1-based): chr8:31,085,158-31,085,161, TTTT deleted; deleting any 4 consecutive bases within chr8:31,085,154-31,085,161 gives the same sequence; the c. name uses the placement nearest the transcript's 3' end. VCF-style (leftmost placement, unchanged base first): chr8-31085153-CTTTT-C. GRCh37 (hg19) VCF-style: chr8-30942669-CTTTT-C.
Identifiers: ClinVar variation 1473736 (VCV001473736.5), dbSNP rs34499088, ClinGen allele CA2573142715.